The following is an entry in ClinVar:

NM_000518.5(HBB):c.402G>C (p.Val134=)

Genes: HBB (hemoglobin subunit beta; minus strand), LOC107133510 (origin of replication at HBB; plus strand), LOC110006319 (beta-globin gene 3' regulatory region; plus strand). Cytogenetic location: 11p15.4.
Variant type: single nucleotide variant.
Coding change: c.402G>C on transcript NM_000518.5 (MANE Select); coding-DNA position 402, G replaced by C.
Protein change: p.Val134=; no amino-acid change (valine 134 retained).
Molecular consequence: synonymous variant.
Genome position (GRCh38, 1-based): chr11:5,225,640, C>G on the plus strand (G>C on the coding strand, the complement: HBB is on the minus strand). VCF-style: chr11-5225640-C-G. GRCh37 (hg19) VCF-style: chr11-5246870-C-G.
Identifiers: ClinVar variation 36327 (VCV000036327.57), dbSNP rs113082294, ClinGen allele CA342870.

ClinVar aggregate classification (germline): Conflicting classifications of pathogenicity. Review status: criteria provided, conflicting classifications (1 of 4 stars). 13 submissions from 10 submitters: Uncertain significance (4); Benign (1); Likely benign (6). 2 of the submissions do not count toward it. Last evaluated 2026-08-01.

Conditions:
HBB-related disorder. Also called: HBB-related disorders; HBB-related condition. Identifiers: MedGen CN239378.
Inborn genetic diseases. Identifiers: MedGen C0950123, MeSH D030342.
beta Thalassemia (BTHAL). Also called: Cooley's anemia; Erythroblastic anemia; Mediterranean anemia. Identifiers: Orphanet 848, MedGen C0005283, MONDO:0019402. Disease mechanism: loss of function.
Fetal hemoglobin quantitative trait locus 1 (HBFQTL1). Identifiers: Orphanet 251380, MedGen C1841621.
Hemoglobin E. Identifiers: MedGen C3889325.
Hb SS disease (SCD). Also called: Hemoglobin SS; Sickle cell anemia; Sickle cell disease; HbS disease; Hemoglobin S Disease; Sickling disorder due to hemoglobin S. Identifiers: Orphanet 232, Orphanet 275752, MedGen C0002895, MONDO:0011382, OMIM 603903.

Allele frequency attached by ClinVar (database versions not stated): 1000 Genomes Project 0.00180; 1000 Genomes Project 30x 0.00187; TOPMed 0.00321; ESP Exome Variant Server 0.00377.
gnomAD v4.1: 6,934 of 1,614,048 alleles (0.43%); highest among the groups gnomAD compares: Non-Finnish European, 0.53%; 22 homozygotes.

Submissions (13):

CeGaT Center for Human Genetics Tuebingen
Classification: Likely benign. Last evaluated: 2026-08-01. Review status: criteria provided, single submitter. Criteria: CeGaT Center For Human Genetics Tuebingen Variant Classification Criteria Version 2. Collection method: clinical testing. Allele origin: germline. Affected: yes. Observed: 14 variant alleles.
Comment: HBB: BP4, BP7, BS2

Labcorp Genetics (formerly Invitae), Labcorp
Classification: Benign. Last evaluated: 2026-02-04. Review status: criteria provided, single submitter. Criteria: Invitae Variant Classification Sherloc (09022015). Collection method: clinical testing. Allele origin: germline.

ARUP Laboratories, Molecular Genetics and Genomics, ARUP Laboratories
Classification: Likely benign. Last evaluated: 2024-12-09. Review status: criteria provided, single submitter. Criteria: ARUP Molecular Germline Variant Investigation Process 2024. Collection method: clinical testing. Allele origin: germline.

Blueprint Genetics
Classification: Likely benign. Last evaluated: 2024-11-25. Review status: criteria provided, single submitter. Criteria: ACMG Guidelines, 2015. Collection method: clinical testing. Allele origin: germline.

Quest Diagnostics Nichols Institute San Juan Capistrano
Classification: Likely benign. Last evaluated: 2023-05-03. Review status: criteria provided, single submitter. Criteria: Quest Diagnostics criteria. Collection method: clinical testing. Allele origin: unknown.

Ambry Genetics
Classification: Likely benign for Inborn genetic diseases. Last evaluated: 2022-09-24. Review status: criteria provided, single submitter. Criteria: Ambry Variant Classification Scheme 2023. Collection method: clinical testing. Allele origin: germline.

Illumina Laboratory Services, Illumina
Classification: Uncertain significance for Hereditary persistence of fetal hemoglobin. Last evaluated: 2018-01-13. Review status: criteria provided, single submitter. Criteria: ICSL Variant Classification Criteria 13 December 2019. Collection method: clinical testing. Allele origin: germline.

Illumina Laboratory Services, Illumina
Classification: Uncertain significance for Hemoglobin E. Last evaluated: 2018-01-13. Review status: criteria provided, single submitter. Criteria: ICSL Variant Classification Criteria 13 December 2019. Collection method: clinical testing. Allele origin: germline.

Illumina Laboratory Services, Illumina
Classification: Uncertain significance for Beta-thalassemia HBB/LCRB. Last evaluated: 2018-01-13. Review status: criteria provided, single submitter. Criteria: ICSL Variant Classification Criteria 13 December 2019. Collection method: clinical testing. Allele origin: germline.

Illumina Laboratory Services, Illumina
Classification: Uncertain significance for Hb SS disease. Last evaluated: 2018-01-13. Review status: criteria provided, single submitter. Criteria: ICSL Variant Classification Criteria 13 December 2019. Collection method: clinical testing. Allele origin: germline.

Women's Health and Genetics/Laboratory Corporation of America, LabCorp
Classification: Likely benign for Beta Thalassemia. Last evaluated: 2011-08-18. Review status: criteria provided, single submitter. Criteria: LabCorp Variant Classification Summary - May 2015. Collection method: curation, clinical testing. Allele origin: germline. Inheritance: autosomal unknown. Affected: yes.
ClinVar note: Converted during submission from likely benign to Likely benign.

PreventionGenetics, part of Exact Sciences
Classification: Likely benign for HBB-related condition. Last evaluated: 2022-02-23. Review status: no assertion criteria provided. Collection method: clinical testing. Allele origin: germline. Not counted in ClinVar's aggregate classification.
Comment: This variant is classified as likely benign based on ACMG/AMP sequence variant interpretation guidelines (Richards et al. 2015 PMID: 25741868, with internal and published modifications).

Natera, Inc.
Classification: Benign for Beta thalassemia. Last evaluated: 2020-04-16. Review status: no assertion criteria provided. Collection method: clinical testing. Allele origin: germline. Not counted in ClinVar's aggregate classification.

Literature cited by the submitters: PubMed 23431002 (cited by Quest Diagnostics Nichols Institute San Juan Capistrano); PubMed 27032675 (cited by Quest Diagnostics Nichols Institute San Juan Capistrano); PubMed 28379995 (cited by Quest Diagnostics Nichols Institute San Juan Capistrano).